The following is an entry in ClinVar:

ClinVar aggregate classification (germline): Pathogenic (1 of 4 stars; one submission).

Conditions:
Epidermolysis bullosa simplex 3, localized or generalized intermediate, with BP230 deficiency (EBS3). Also called: Epidermolysis bullosa simplex, autosomal recessive 2; Epidermolysis bullosa simplex due to BP230 deficiency. Identifiers: Orphanet 412181, MedGen C3809470, MONDO:0014180, OMIM 615425.
Hereditary sensory and autonomic neuropathy type 6. Also called: HSAN VI; Neuropathy, hereditary sensory and autonomic, type VI. Identifiers: Orphanet 314381, MedGen C3539003, MONDO:0013839, OMIM 614653.

Submission:

Labcorp Genetics (formerly Invitae), Labcorp
Classification: Pathogenic for Epidermolysis bullosa simplex 3, localized or generalized intermediate, with BP230 deficiency; Hereditary sensory and autonomic neuropathy type 6. Last evaluated: 2021-08-07. Review status: criteria provided, single submitter. Criteria: Invitae Variant Classification Sherloc (09022015). Collection method: clinical testing. Allele origin: germline.
Comment: For these reasons, this variant has been classified as Pathogenic. This variant has not been reported in the literature in individuals affected with DST-related conditions. This variant is not present in population databases (ExAC no frequency). This sequence change creates a premature translational stop signal (p.Ser1020Glnfs*20) in the DST gene. It is expected to result in an absent or disrupted protein product. Loss-of-function variants in DST are known to be pathogenic (PMID: 22522446, 25059916, 30371979).

Literature cited by the submitters: PubMed 22522446; PubMed 25059916; PubMed 30371979.

NM_001374736.1(DST):c.4669_4670del (p.Ser1557fs)

Gene: DST (dystonin; minus strand). Cytogenetic location: 6p12.1.
Variant type: Microsatellite.
Coding change: c.4669_4670del on transcript NM_001374736.1 (MANE Select); coding-DNA positions 4669 to 4670, 2 bases deleted (AG; older notation c.4669_4670delAG).
Protein change: p.Ser1557fs; shifts the reading frame from serine 1557.
Molecular consequence: frameshift variant.
Genome position (GRCh38, 1-based): chr6:56,627,256-56,627,257, CT deleted on the plus strand (AG on the coding strand, the reverse complement: DST is on the minus strand); deleting any 2 consecutive bases within chr6:56,627,256-56,627,259 gives the same sequence; the c. name uses the placement nearest the transcript's 3' end. VCF-style (leftmost placement, unchanged base first): chr6-56627255-GCT-G. GRCh37 (hg19) VCF-style: chr6-56492053-GCT-G.
Other names: c.4570_4571del, p.Ser1524fs (NM_001144769.5); c.4156_4157del, p.Ser1386fs (NM_001144770.2); c.4669_4670del, p.Ser1557fs (NM_001374722.1); c.4036_4037del, p.Ser1346fs (NM_001374729.1, NM_001374730.1, NM_001386100.1 and 1 more transcripts); c.4696_4697del, p.Ser1566fs (NM_001374734.1); c.3058_3059del, p.Ser1020fs (NM_001723.7, NM_015548.5); short protein forms S1386fs, S1566fs, S1524fs, S1557fs, S1020fs, S1346fs.
Identifiers: ClinVar variation 1396176 (VCV001396176.6), dbSNP rs2152751675, ClinGen allele CA2580617271.
Genomic context (GRCh38, chr6:56,627,255, plus strand): 5'-TCTTCCTACCTTCACTGTAGCTGAGTACTGTTCTGCATATTTTTGACACTCGTCCATTTT[GCT>G]CTGTTTCATTTCTATTTCGGACACCAGCATCTATAAATATACACAGTTTAGAACAAAAAT-3'